The following is an entry in ClinVar:

NM_030777.4(SLC2A10):c.890G>C (p.Arg297Thr)

Gene: SLC2A10 (solute carrier family 2 member 10; plus strand). Cytogenetic location: 20q13.12.
Variant type: single nucleotide variant.
Coding change: c.890G>C on transcript NM_030777.4 (MANE Select); coding-DNA position 890, G replaced by C.
Protein change: p.Arg297Thr; replaces arginine 297 with threonine.
Molecular consequence: missense variant.
Genome position (GRCh38, 1-based): chr20:46,725,926, G>C. VCF-style: chr20-46725926-G-C. GRCh37 (hg19) VCF-style: chr20-45354565-G-C.
Other names: short protein forms R297T.
Identifiers: ClinVar variation 1765080 (VCV001765080.2), dbSNP rs2515590870, ClinGen allele CA409268474.
Genomic context (GRCh38, chr20:46,725,926, plus strand): 5'-GCGCAGTGAAGGTGGCAGCTACCCTGACCGCCATGGGGCTGGTGGACCGTGCAGGCCGCA[G>C]GGCTCTGTTGCTAGCTGGCTGTGCCCTCATGGCCCTGTCCGTCAGTGGCATAGGCCTCGT-3'
Protein context (NP_110404.1, residues 287-307): AMGLVDRAGR[Arg297Thr]ALLLAGCALM

ClinVar aggregate classification (germline): Uncertain significance (1 of 4 stars; one submission).

Conditions:
Familial thoracic aortic aneurysm and aortic dissection (TAAD). Also called: Thoracic aortic aneurysms and dissections. Identifiers: Orphanet 91387, MedGen C4707243, MONDO:0019625.

Submission:

Ambry Genetics
Classification: Uncertain significance for Familial thoracic aortic aneurysm and aortic dissection. Last evaluated: 2019-03-05. Review status: criteria provided, single submitter. Criteria: Ambry Variant Classification Scheme 2023. Collection method: clinical testing. Allele origin: germline.
Comment: The p.R297T variant (also known as c.890G>C), located in coding exon 2 of the SLC2A10 gene, results from a G to C substitution at nucleotide position 890. The arginine at codon 297 is replaced by threonine, an amino acid with similar properties. This amino acid position is highly conserved in available vertebrate species. In addition, this alteration is predicted to be deleterious by in silico analysis. Since supporting evidence is limited at this time, the clinical significance of this alteration remains unclear.